The following is an entry in ClinVar:

ClinVar aggregate classification (germline): Uncertain significance (1 of 4 stars; one submission).

Submission:

GeneDx
Classification: Uncertain significance. Last evaluated: 2023-07-10. Review status: criteria provided, single submitter. Criteria: GeneDx Variant Classification Process June 2021. Collection method: clinical testing. Allele origin: germline. Affected: yes.
Comment: Not observed at significant frequency in large population cohorts (gnomAD); In silico analysis supports that this missense variant has a deleterious effect on protein structure/function; Has not been previously published as pathogenic or benign to our knowledge

NM_001199107.2(TBC1D24):c.359G>C (p.Cys120Ser)

Gene: TBC1D24 (TBC1 domain family member 24; plus strand). Cytogenetic location: 16p13.3.
Variant type: single nucleotide variant.
Coding change: c.359G>C on transcript NM_001199107.2 (MANE Select); coding-DNA position 359, G replaced by C.
Protein change: p.Cys120Ser; replaces cysteine 120 with serine.
Molecular consequence: missense variant.
Genome position (GRCh38, 1-based): chr16:2,496,507, G>C. VCF-style: chr16-2496507-G-C. GRCh37 (hg19) VCF-style: chr16-2546508-G-C.
Other names: c.359G>C, p.Cys120Ser (NM_020705.3); short protein forms C120S.
Identifiers: ClinVar variation 3360826 (VCV003360826.1).